The following is an entry in ClinVar:

ClinVar aggregate classification (germline): Uncertain significance (1 of 4 stars; one submission).

gnomAD v4.1: 10 of 1,612,282 alleles (0.00062%); highest among the groups gnomAD compares: East Asian, 0.0045%; no homozygotes.

Submission:

Labcorp Genetics (formerly Invitae), Labcorp
Classification: Uncertain significance. Last evaluated: 2025-02-06. Review status: criteria provided, single submitter. Criteria: Invitae Variant Classification Sherloc (09022015). Collection method: clinical testing. Allele origin: germline.
Comment: This sequence change replaces arginine, which is basic and polar, with histidine, which is basic and polar, at codon 160 of the FBN3 protein (p.Arg160His). This variant is present in population databases (rs554641249, gnomAD 0.007%). This variant has not been reported in the literature in individuals affected with FBN3-related conditions. An algorithm developed to predict the effect of missense changes on protein structure and function (PolyPhen-2) suggests that this variant is likely to be disruptive. In summary, the available evidence is currently insufficient to determine the role of this variant in disease. Therefore, it has been classified as a Variant of Uncertain Significance.

NM_032447.5(FBN3):c.479G>A (p.Arg160His)

Gene: FBN3 (fibrillin 3; minus strand). Cytogenetic location: 19p13.2.
Variant type: single nucleotide variant.
Coding change: c.479G>A on transcript NM_032447.5 (MANE Select); coding-DNA position 479, G replaced by A.
Protein change: p.Arg160His; replaces arginine 160 with histidine.
Molecular consequence: missense variant.
Genome position (GRCh38, 1-based): chr19:8,144,939, C>T on the plus strand (G>A on the coding strand, the complement: FBN3 is on the minus strand). VCF-style: chr19-8144939-C-T. GRCh37 (hg19) VCF-style: chr19-8209823-C-T.
Other names: c.479G>A, p.Arg160His (NM_001321431.2); short protein forms R160H.
Identifiers: ClinVar variation 4705667 (VCV004705667.1).